The following is an entry in ClinVar:

NM_000406.3(GNRHR):c.*2055G>A

Gene: GNRHR (gonadotropin releasing hormone receptor; minus strand). Cytogenetic location: 4q13.2.
Variant type: single nucleotide variant.
Coding change: c.*2055G>A on transcript NM_000406.3 (MANE Select); 2055 bases downstream of the stop codon, G replaced by A.
Molecular consequence: 3 prime UTR variant.
Genome position (GRCh38, 1-based): chr4:67,738,425, C>T on the plus strand (G>A on the coding strand, the complement: GNRHR is on the minus strand). VCF-style: chr4-67738425-C-T. GRCh37 (hg19) VCF-style: chr4-68604143-C-T.
Other names: c.*2164G>A (NM_001012763.2).
Identifiers: ClinVar variation 349425 (VCV000349425.5), dbSNP rs17635749, ClinGen allele CA10618144.

ClinVar aggregate classification (germline): Benign (1 of 4 stars; one submission).

Conditions:
Hypogonadotropic hypogonadism 7 with or without anosmia (HH7). Also called: HYPOGONADOTROPIC HYPOGONADISM 7 WITHOUT ANOSMIA; GNRHR-Related GnRH Deficiency. Identifiers: Orphanet 432, MedGen C0342384, MONDO:0007794, OMIM 146110.

Allele frequency attached by ClinVar (database versions not stated): 1000 Genomes Project 0.17732; 1000 Genomes Project 30x 0.18239; gnomAD 0.22341 and 0.22960; TOPMed 0.22659.

Submission:

Illumina Laboratory Services, Illumina
Classification: Benign for Hypogonadotropic hypogonadism 7 with or without anosmia. Last evaluated: 2018-01-12. Review status: criteria provided, single submitter. Criteria: ICSL Variant Classification Criteria 13 December 2019. Collection method: clinical testing. Allele origin: germline.
Comment: This variant was observed in the ICSL laboratory as part of a predisposition screen in an ostensibly healthy population. It had not been previously curated by ICSL or reported in the Human Gene Mutation Database (HGMD: prior to June 1st, 2018), and was therefore a candidate for classification through an automated scoring system. Utilizing variant allele frequency, disease prevalence and penetrance estimates, and inheritance mode, an automated score was calculated to assess if this variant is too frequent to cause the disease. Based on the score and internal cut-off values, a variant classified as benign is not then subjected to further curation. The score for this variant resulted in a classification of benign for this disease.